The following is an entry in ClinVar:

NM_153000.5(APCDD1):c.907C>T (p.Arg303Cys)

Gene: APCDD1 (APC down-regulated 1; plus strand). Cytogenetic location: 18p11.22.
Variant type: single nucleotide variant.
Coding change: c.907C>T on transcript NM_153000.5 (MANE Select); coding-DNA position 907, C replaced by T.
Protein change: p.Arg303Cys; replaces arginine 303 with cysteine.
Molecular consequence: missense variant.
Genome position (GRCh38, 1-based): chr18:10,485,594, C>T. VCF-style: chr18-10485594-C-T. GRCh37 (hg19) VCF-style: chr18-10485591-C-T.
Other names: short protein forms R303C.
Identifiers: ClinVar variation 3127776 (VCV003127776.2), dbSNP rs746141096, ClinGen allele CA8891156.

ClinVar aggregate classification (germline): Uncertain significance. Review status: criteria provided, multiple submitters, no conflicts (2 of 4 stars). 2 submissions from 2 submitters: Uncertain significance (2). Last evaluated 2025-10-01.

Allele frequency attached by ClinVar (database versions not stated): ExAC 0.00001; gnomAD 0.00001; gnomAD exomes 0.00001; TOPMed 0.00002.
gnomAD v4.1: 17 of 1,613,906 alleles (0.0011%); highest among the groups gnomAD compares: East Asian, 0.0022%; 1 homozygote.

Submissions (2):

Labcorp Genetics (formerly Invitae), Labcorp
Classification: Uncertain significance. Last evaluated: 2025-10-01. Review status: criteria provided, single submitter. Criteria: Invitae Variant Classification Sherloc (09022015). Collection method: clinical testing. Allele origin: germline.
Comment: This sequence change replaces arginine, which is basic and polar, with cysteine, which is neutral and slightly polar, at codon 303 of the APCDD1 protein (p.Arg303Cys). This variant is present in population databases (rs746141096, gnomAD 0.004%). This variant has not been reported in the literature in individuals affected with APCDD1-related conditions. ClinVar contains an entry for this variant (Variation ID: 3127776). Invitae Evidence Modeling of protein sequence and biophysical properties (such as structural, functional, and spatial information, amino acid conservation, physicochemical variation, residue mobility, and thermodynamic stability) indicates that this missense variant is expected to disrupt APCDD1 protein function with a positive predictive value of 80%. In summary, the available evidence is currently insufficient to determine the role of this variant in disease. Therefore, it has been classified as a Variant of Uncertain Significance.

Ambry Genetics
Classification: Uncertain significance. Last evaluated: 2023-10-02. Review status: criteria provided, single submitter. Criteria: Ambry Variant Classification Scheme 2023. Collection method: clinical testing. Allele origin: germline.